The following is an entry in ClinVar:

NM_004817.4(TJP2):c.342+12G>T

Gene: TJP2 (tight junction protein 2; plus strand). Cytogenetic location: 9q21.11.
Variant type: single nucleotide variant.
Coding change: c.342+12G>T on transcript NM_004817.4 (MANE Select); 12 bases into the intron after coding-DNA position 342, G replaced by T.
Molecular consequence: intron variant.
Genome position (GRCh38, 1-based): chr9:69,218,371, G>T. VCF-style: chr9-69218371-G-T. GRCh37 (hg19) VCF-style: chr9-71833287-G-T.
Other names: p.?; c.273+12G>T (NM_001170414.2, NM_001369870.1, NM_001369871.1); c.342+12G>T (NM_201629.3, NM_001369872.1, NM_001369873.1); c.354+12G>T (NM_001170415.1, NM_001369875.1, NM_001369874.1); c.435+12G>T (NM_001170416.2).
Identifiers: ClinVar variation 178640 (VCV000178640.15), dbSNP rs7027812, ClinGen allele CA182716.

ClinVar aggregate classification (germline): Benign. Review status: criteria provided, multiple submitters, no conflicts (2 of 4 stars). 6 submissions from 6 submitters: Benign (6). Last evaluated 2026-01-27.

Allele frequency attached by ClinVar (database versions not stated): gnomAD exomes 0.00182 and 0.00485; ExAC 0.00638; gnomAD 0.01816 and 0.01934; ESP Exome Variant Server 0.01915; TOPMed 0.02045; 1000 Genomes Project 0.02256; 1000 Genomes Project 30x 0.02295.
gnomAD v4.1: 5,542 of 1,611,122 alleles (0.34%); highest among the groups gnomAD compares: African/African-American, 6.3%; 165 homozygotes.

Submissions (6):

Labcorp Genetics (formerly Invitae), Labcorp
Classification: Benign. Last evaluated: 2026-01-27. Review status: criteria provided, single submitter. Criteria: Invitae Variant Classification Sherloc (09022015). Collection method: clinical testing. Allele origin: germline.

Mayo Clinic Laboratories, Mayo Clinic
Classification: Benign. Last evaluated: 2021-10-14. Review status: criteria provided, single submitter. Criteria: ACMG Guidelines, 2015. Collection method: clinical testing. Allele origin: germline. Observed: 16 variant alleles.

GeneDx
Classification: Benign. Last evaluated: 2018-06-16. Review status: criteria provided, single submitter. Criteria: GeneDx Variant Classification (06012015). Collection method: clinical testing. Allele origin: germline. Affected: yes.
Comment: This variant is considered likely benign or benign based on one or more of the following criteria: it is a conservative change, it occurs at a poorly conserved position in the protein, it is predicted to be benign by multiple in silico algorithms, and/or has population frequency not consistent with disease.

Laboratory for Molecular Medicine, Mass General Brigham Personalized Medicine
Classification: Benign. Last evaluated: 2012-05-07. Review status: criteria provided, single submitter. Criteria: LMM Criteria. Collection method: clinical testing. Allele origin: germline. Observed: 4 variant alleles.
Comment: 273+12G>T in Intron 05 of TJP2: This variant is not expected to have clinical si gnificance because it is not located within the conserved splice consensus seque nce and has been identified in 5.6% (210/3738) of African American chromosomes f rom a broad population by the NHLBI Exome Sequencing Project (dbSNP rs7027812).

Breakthrough Genomics
Classification: Benign. Review status: criteria provided, single submitter. Criteria: ACMG Guidelines, 2015. Collection method: not provided. Allele origin: germline. Inheritance: Autosomal recessive inheritance. Affected: yes.

PreventionGenetics, part of Exact Sciences
Classification: Benign. Review status: criteria provided, single submitter. Criteria: ACMG Guidelines, 2015. Collection method: clinical testing. Allele origin: germline.